The following is an entry in ClinVar:

ClinVar aggregate classification (germline): Pathogenic/Likely pathogenic. Review status: criteria provided, multiple submitters, no conflicts (2 of 4 stars). 6 submissions from 6 submitters: Pathogenic (1); Likely pathogenic (5). Last evaluated 2025-04-22.

Conditions:
von Willebrand disorder (VWD). Also called: Von Willebrand disease (hereditary or acquired); von Willebrand's disease; von Willebrand Diseases. Identifiers: MedGen C0042974, MeSH D014842, MONDO:0024574.
Hereditary von Willebrand disease. Identifiers: Orphanet 903, MedGen C5703318, MONDO:0019565. Inheritance: Autosomal recessive or Autosomal dominant.

Allele frequency attached by ClinVar (database versions not stated): ExAC 0.00001; gnomAD 0.00001; gnomAD exomes 0.00001; TOPMed 0.00002; ESP Exome Variant Server 0.00008.
gnomAD v4.1: 15 of 1,614,142 alleles (0.00093%); highest among the groups gnomAD compares: Admixed American, 0.0017%; no homozygotes.

Submissions (6):

Quest Diagnostics Nichols Institute San Juan Capistrano
Classification: Likely pathogenic. Last evaluated: 2025-04-22. Review status: criteria provided, single submitter. Criteria: Quest Diagnostics criteria. Collection method: clinical testing. Allele origin: unknown.
Comment: The VWF c.3613C>T (p.Arg1205Cys) variant has been reported in the published literature in individuals with type 1 von Willebrand disease (vWD) (PMID: 36754679 (2023), 18449422 (2008), 16321553 (2006)) and vWD of an unspecified type (PMID: 31064749 (2019)). Functional studies demonstrated that this variant has an inconclusive effect on protein function (PMID: 25690668 (2015)). The frequency of this variant in the general population (Genome Aggregation Database) is uninformative in the assessment of its pathogenicity. Analysis of this variant using bioinformatics tools for the prediction of the effect of amino acid changes on protein structure and function yielded predictions that this variant is damaging. Based on the available information, this variant is classified as likely pathogenic.

CeGaT Center for Human Genetics Tuebingen
Classification: Likely pathogenic. Last evaluated: 2025-01-01. Review status: criteria provided, single submitter. Criteria: CeGaT Center For Human Genetics Tuebingen Variant Classification Criteria Version 2. Collection method: clinical testing. Allele origin: germline. Affected: yes. Observed: 1 variant allele.
Comment: VWF: PM1, PM5, PS4:Moderate, PS3:Supporting, BP4

Women's Health and Genetics/Laboratory Corporation of America, LabCorp
Classification: Pathogenic for von Willebrand disorder. Last evaluated: 2024-06-26. Review status: criteria provided, single submitter. Criteria: LabCorp Variant Classification Summary - May 2015. Collection method: clinical testing. Allele origin: germline.
Comment: Variant summary: VWF c.3613C>T (p.Arg1205Cys) results in a non-conservative amino acid change located in the von Willebrand factor, VWA N-terminal domain (IPR032361) of the encoded protein sequence. Four of five in-silico tools predict a damaging effect of the variant on protein function. The variant allele was found at a frequency of 1.2e-05 in 251494 control chromosomes. c.3613C>T has been reported in the literature in individuals affected with clinically diagnosed Von Willebrand Disease (example, Kakela_2006, Millar_2008 and Veyradier_2016). A different variant affecting the same codon has been classified as pathogenic by our lab (c.3614G>A, p.Arg1205His), supporting the critical relevance of codon 1205 to VWF protein function. At least one publication reports experimental evidence evaluating an impact on protein function resulting from significantly reduced survival of full-length VWf fragments within the cell (Rawley_2015). The following publications have been ascertained in the context of this evaluation (PMID: 26986123, 16321553, 18449422, 25690668). ClinVar contains an entry for this variant (Variation ID: 439332). Based on the evidence outlined above, the variant was classified as pathogenic.

Mayo Clinic Laboratories, Mayo Clinic
Classification: Likely pathogenic. Last evaluated: 2022-11-23. Review status: criteria provided, single submitter. Criteria: ACMG Guidelines, 2015. Collection method: clinical testing. Allele origin: germline. Observed: 1 variant allele.
Comment: PM1, PM5, PS3

GeneDx
Classification: Likely pathogenic. Last evaluated: 2022-01-21. Review status: criteria provided, single submitter. Criteria: GeneDx Variant Classification Process June 2021. Collection method: clinical testing. Allele origin: germline. Affected: yes.
Comment: Published functional studies demonstrate a damaging effect with enhanced clearance of von Willebrand factor by macrophages (Rawley et al., 2015); In silico analysis supports that this missense variant has a deleterious effect on protein structure/function; This variant is associated with the following publications: (PMID: 31064749, 19630772, 25690668, 16321553, 20230424, 18449422, 32108991, 16925796)

NIHR Bioresource Rare Diseases, University of Cambridge
Classification: Likely pathogenic for von Willebrand disorder. Last evaluated: 2019-02-01. Review status: criteria provided, single submitter. Criteria: ACMG Guidelines, 2015. Collection method: research. Allele origin: unknown. Affected: yes. Observed: 1 heterozygote. Study: ThromboGenomics.

Literature cited by the submitters: PubMed 38996914 (cited by Quest Diagnostics Nichols Institute San Juan Capistrano); PubMed 36754679 (cited by Quest Diagnostics Nichols Institute San Juan Capistrano); PubMed 32108991 (cited by Quest Diagnostics Nichols Institute San Juan Capistrano); PubMed 33763999 (cited by Quest Diagnostics Nichols Institute San Juan Capistrano); PubMed 31064749 (cited by Quest Diagnostics Nichols Institute San Juan Capistrano and NIHR Bioresource Rare Diseases, University of Cambridge); PubMed 16321553 (cited by Quest Diagnostics Nichols Institute San Juan Capistrano and Women's Health and Genetics/Laboratory Corporation of America, LabCorp); PubMed 25690668 (cited by Quest Diagnostics Nichols Institute San Juan Capistrano and Women's Health and Genetics/Laboratory Corporation of America, LabCorp); PubMed 20230424 (cited by Quest Diagnostics Nichols Institute San Juan Capistrano); PubMed 18449422 (cited by Quest Diagnostics Nichols Institute San Juan Capistrano and Women's Health and Genetics/Laboratory Corporation of America, LabCorp); PubMed 19630772 (cited by Quest Diagnostics Nichols Institute San Juan Capistrano); PubMed 26986123 (cited by Women's Health and Genetics/Laboratory Corporation of America, LabCorp).

NM_000552.5(VWF):c.3613C>T (p.Arg1205Cys)

Gene: VWF (von Willebrand factor; minus strand). Cytogenetic location: 12p13.31.
Variant type: single nucleotide variant.
Coding change: c.3613C>T on transcript NM_000552.5 (MANE Select); coding-DNA position 3613, C replaced by T.
Protein change: p.Arg1205Cys; replaces arginine 1205 with cysteine.
Molecular consequence: missense variant.
Genome position (GRCh38, 1-based): chr12:6,021,961, G>A on the plus strand (C>T on the coding strand, the complement: VWF is on the minus strand). VCF-style: chr12-6021961-G-A. GRCh37 (hg19) VCF-style: chr12-6131127-G-A.
Other names: short protein forms R1205C.
Identifiers: ClinVar variation 439332 (VCV000439332.25), dbSNP rs373787920, ClinGen allele CA6402724.